The following is an entry in ClinVar:

NM_003072.5(SMARCA4):c.3081+6C>T

Gene: SMARCA4 (SWI/SNF related BAF chromatin remodeling complex subunit ATPase 4; plus strand). Cytogenetic location: 19p13.2.
Variant type: single nucleotide variant.
Coding change: c.3081+6C>T on transcript NM_003072.5 (MANE Select); 6 bases into the intron after coding-DNA position 3081, C replaced by T.
Molecular consequence: intron variant.
Genome position (GRCh38, 1-based): chr19:11,024,444, C>T. VCF-style: chr19-11024444-C-T. GRCh37 (hg19) VCF-style: chr19-11135120-C-T.
Other names: c.3081+6C>T (NM_001128844.3, NM_001128849.3, NM_001128847.4 and 5 more transcripts).
Identifiers: ClinVar variation 582778 (VCV000582778.10), dbSNP rs1265734471, ClinGen allele CA891843801.
Genomic context (GRCh38, chr19:11,024,444, plus strand): 5'-CCACATGCAGGCCAAGGGCGTGCTGCTGACTGATGGCTCCGAGAAGGACAAGAAGGTGGG[C>T]CCCAGAGTCCCCCAACTGCATTCCCCACTGGGTGTCCAAGGCCGGCAGCGTGGCAGGCAG-3'

ClinVar aggregate classification (germline): Likely benign. Review status: criteria provided, multiple submitters, no conflicts (2 of 4 stars). 2 submissions from 2 submitters: Likely benign (2). Last evaluated 2026-07-07.

Conditions:
Rhabdoid tumor predisposition syndrome 2 (RTPS2). Identifiers: Orphanet 231108, Orphanet 69077, MedGen C2750074, MONDO:0013224, OMIM 613325.

Allele frequency attached by ClinVar (database versions not stated): gnomAD exomes below 0.00001; TOPMed 0.00002; gnomAD 0.00001.
gnomAD v4.1: 3 of 1,575,746 alleles (0.00019%); highest among the groups gnomAD compares: Admixed American, 0.0017%; no homozygotes.

Submissions (2):

Myriad Genetics, Inc.
Classification: Likely benign for Rhabdoid tumor predisposition syndrome 2. Last evaluated: 2026-07-07. Review status: criteria provided, single submitter. Criteria: Myriad Autosomal Dominant, Autosomal Recessive and X-Linked Classification Criteria (2023). Collection method: clinical testing. Allele origin: unknown.
Comment: This variant is considered likely benign. This variant is intronic and is not expected to impact mRNA splicing.

Labcorp Genetics (formerly Invitae), Labcorp
Classification: Likely benign for Rhabdoid tumor predisposition syndrome 2. Last evaluated: 2025-08-09. Review status: criteria provided, single submitter. Criteria: Invitae Variant Classification Sherloc (09022015). Collection method: clinical testing. Allele origin: germline.